The following is an entry in ClinVar:

NM_007129.5(ZIC2):c.665_676del (p.Gly222_Met225del)

Gene: ZIC2 (Zic family zinc finger 2; plus strand). Cytogenetic location: 13q32.3.
Variant type: Deletion.
Coding change: c.665_676del on transcript NM_007129.5 (MANE Select); coding-DNA positions 665 to 676, 12 bases deleted (GTATGAACATGG).
Protein change: p.Gly222_Met225del.
Molecular consequence: inframe deletion.
Genome position (GRCh38, 1-based): chr13:99,982,729-99,982,740, GTATGAACATGG deleted; deleting any 12 consecutive bases within chr13:99,982,718-99,982,740 gives the same sequence; the c. name uses the placement nearest the transcript's 3' end. VCF-style (leftmost placement, unchanged base first): chr13-99982717-ATATGAACATGGG-A. GRCh37 (hg19) VCF-style: chr13-100634971-ATATGAACATGGG-A.
Identifiers: ClinVar variation 546554 (VCV000546554.5), dbSNP rs980165353, ClinGen allele CA255394702.

ClinVar aggregate classification (germline): Uncertain significance. Review status: criteria provided, multiple submitters, no conflicts (2 of 4 stars). 2 submissions from 2 submitters: Uncertain significance (2). Last evaluated 2023-12-27.

Conditions:
Holoprosencephaly 5 (HPE5). Identifiers: Orphanet 2162, MedGen C1864827, MONDO:0012322, OMIM 609637.

Submissions (2):

Labcorp Genetics (formerly Invitae), Labcorp
Classification: Uncertain significance for Holoprosencephaly 5. Last evaluated: 2023-12-27. Review status: criteria provided, single submitter. Criteria: Invitae Variant Classification Sherloc (09022015). Collection method: clinical testing. Allele origin: germline.
Comment: This variant, c.665_676del, results in the deletion of 4 amino acid(s) of the ZIC2 protein (p.Gly222_Met225del), but otherwise preserves the integrity of the reading frame. This variant is not present in population databases (gnomAD no frequency). This variant has not been reported in the literature in individuals affected with ZIC2-related conditions. ClinVar contains an entry for this variant (Variation ID: 546554). Experimental studies and prediction algorithms are not available or were not evaluated, and the functional significance of this variant is currently unknown. In summary, the available evidence is currently insufficient to determine the role of this variant in disease. Therefore, it has been classified as a Variant of Uncertain Significance.

GeneDx
Classification: Uncertain significance. Last evaluated: 2018-06-05. Review status: criteria provided, single submitter. Criteria: GeneDx Variant Classification (06012015). Collection method: clinical testing. Allele origin: germline. Affected: yes.
Comment: The c.665_676del12 variant has not been published as a pathogenic variant, nor has it been reported as a benign variant to our knowledge. The c.665_676del12 variant is not observed in large population cohorts (Lek et al., 2016). The c.665_676del12 variant results in an in-frame deletion of 4 amino acid residues, denoted p.Gly222_Met225del. In-silico analyses, including protein predictors and evolutionary conservation, support a deleterious effect. Based on the currently available information, it is unclear whether this variant is a pathogenic variant or a rare benign variant.